The following is an entry in ClinVar:

ClinVar aggregate classification (germline): Pathogenic (1 of 4 stars; one submission).

Submission:

Labcorp Genetics (formerly Invitae), Labcorp
Classification: Pathogenic. Last evaluated: 2023-06-01. Review status: criteria provided, single submitter. Criteria: Invitae Variant Classification Sherloc (09022015). Collection method: clinical testing. Allele origin: germline.
Comment: This variant has not been reported in the literature in individuals affected with FOXRED1-related conditions. For these reasons, this variant has been classified as Pathogenic. This variant is present in population databases (no rsID available, gnomAD 0.0009%). This sequence change creates a premature translational stop signal (p.Gly13Alafs*3) in the FOXRED1 gene. It is expected to result in an absent or disrupted protein product. Loss-of-function variants in FOXRED1 are known to be pathogenic (PMID: 20818383, 20858599).

Literature cited by the submitters: PubMed 20818383; PubMed 20858599.

NM_017547.4(FOXRED1):c.38del (p.Gly13fs)

Genes: FOXRED1 (FAD dependent oxidoreductase domain containing 1; plus strand), LOC130007026 (ATAC-STARR-seq lymphoblastoid active region 5705; plus strand). Cytogenetic location: 11q24.2.
Variant type: Deletion.
Coding change: c.38del on transcript NM_017547.4 (MANE Select); coding-DNA position 38, one base deleted (G; older notation c.38delG).
Protein change: p.Gly13fs; shifts the reading frame from glycine 13.
Molecular consequence: frameshift variant. On other transcripts: non-coding transcript variant (2).
Genome position (GRCh38, 1-based): chr11:126,269,244, G deleted; the last of 4 consecutive G bases (chr11:126,269,241-126,269,244); deleting any one gives the same sequence. VCF-style (leftmost placement, unchanged base first): chr11-126269240-CG-C. GRCh37 (hg19) VCF-style: chr11-126139135-CG-C.
Other names: c.38delG, p.Gly13Alafs (NM_001425160.1, NM_001425161.1, NM_001425163.1 and 4 more transcripts); c.-376delG (NM_001425168.1); c.-493delG (NM_001425169.1); c.-690delG (NM_001425170.1); c.-520delG (NM_001425171.1); c.-299delG (NM_001425172.1); c.-280delG (NM_001425173.1); c.-501delG (NM_001425174.1, NM_001425175.1); short protein forms G13fs.
Identifiers: ClinVar variation 2995310 (VCV002995310.3), dbSNP rs1411660488, ClinGen allele CA602354762.